The following is an entry in ClinVar:

ClinVar aggregate classification (germline): Conflicting classifications of pathogenicity. Review status: criteria provided, conflicting classifications (1 of 4 stars). 3 submissions from 3 submitters: Pathogenic (1); Uncertain significance (1). 1 of the submissions does not count toward it. Last evaluated 2025-10-03.

Conditions:
Primary hyperoxaluria, type I (HP1). Also called: GLYCOLIC ACIDURIA; HEPATIC AGT DEFICIENCY; OXALOSIS I; Primary hyperoxaluria type 1. Identifiers: Orphanet 416, Orphanet 93598, MedGen C0268164, MONDO:0009823, OMIM 259900. Disease mechanism: loss of function.

Submissions (3):

Rare Kidney Stone Consortium and the Mayo Clinic Hyperoxaluria Center, Mayo Clinic
Classification: Pathogenic for Primary hyperoxaluria, type I. Last evaluated: 2025-10-03. Review status: criteria provided, single submitter. Criteria: ACMG Guidelines, 2015. Collection method: research. Allele origin: germline. Affected: yes. Observed: 1 variant allele.
Comment: ACMG:PM2, PM4, PP4, PP5

Labcorp Genetics (formerly Invitae), Labcorp
Classification: Uncertain significance. Last evaluated: 2021-06-10. Review status: criteria provided, single submitter. Criteria: Invitae Variant Classification Sherloc (09022015). Collection method: clinical testing. Allele origin: germline.
Comment: In summary, the available evidence is currently insufficient to determine the role of this variant in disease. Therefore, it has been classified as a Variant of Uncertain Significance. Experimental studies and prediction algorithms are not available or were not evaluated, and the functional significance of this variant is currently unknown. This variant has been observed in individual(s) with clinical features of primary hyperoxaluria type 1 (PMID: 9604803, 25629080). This variant is also known as 1008-1010delGCG. ClinVar contains an entry for this variant (Variation ID: 204206). This variant is not present in population databases (ExAC no frequency). This variant, c.886_888del, results in the deletion of 1 amino acid(s) of the AGXT protein (p.Ala296del), but otherwise preserves the integrity of the reading frame.

Clinical Biochemistry Laboratory, Health Services Laboratory
Classification: Pathogenic for Primary hyperoxaluria, type I. Last evaluated: 2014-11-27. Review status: no assertion criteria provided. Collection method: research. Allele origin: germline. Affected: yes. Not counted in ClinVar's aggregate classification.

Literature cited by the submitters: PubMed 9604803 (cited by 3 submitters); PubMed 40794449 (cited by Rare Kidney Stone Consortium and the Mayo Clinic Hyperoxaluria Center, Mayo Clinic); PubMed 25629080 (cited by Labcorp Genetics (formerly Invitae), Labcorp).

NM_000030.3(AGXT):c.883GCG[1] (p.Ala296del)

Gene: AGXT (alanine--glyoxylate aminotransferase; plus strand). Cytogenetic location: 2q37.3.
Variant type: Microsatellite.
Coding change: c.883GCG[1] on transcript NM_000030.3 (MANE Select); one copy of the 3-base unit GCG starting at c.883; the reference has two copies in a row; one copy, 3 bases deleted; also written c.886_888del.
Protein change: p.Ala296del; deletes alanine 296.
Molecular consequence: inframe deletion.
Genome position (GRCh38, 1-based): chr2:240,877,576-240,877,578, GCG deleted; deleting any 3 consecutive bases within chr2:240,877,573-240,877,578 gives the same sequence; the position shown is the placement nearest the transcript's 3' end. VCF-style (leftmost placement, unchanged base first): chr2-240877572-CGCG-C. GRCh37 (hg19) VCF-style: chr2-241816989-CGCG-C.
Other names: c.886_888del (NM_000030.3); short protein forms A296del.
Identifiers: ClinVar variation 204206 (VCV000204206.10), dbSNP rs180177291, ClinGen allele CA275858.